The following is an entry in ClinVar:

NM_006015.6(ARID1A):c.5544G>A (p.Gly1848=)

Gene: ARID1A (AT-rich interaction domain 1A; plus strand). Cytogenetic location: 1p36.11.
Variant type: single nucleotide variant.
Coding change: c.5544G>A on transcript NM_006015.6 (MANE Select); coding-DNA position 5544, G replaced by A.
Protein change: p.Gly1848=; no amino-acid change (glycine 1848 retained).
Molecular consequence: synonymous variant.
Genome position (GRCh38, 1-based): chr1:26,779,442, G>A. VCF-style: chr1-26779442-G-A. GRCh37 (hg19) VCF-style: chr1-27105933-G-A.
Other names: c.4893G>A, p.Gly1631= (NM_139135.4).
Identifiers: ClinVar variation 3058244 (VCV003058244.4), dbSNP rs557275114, ClinGen allele CA707710.

ClinVar aggregate classification (germline): Likely benign. Review status: criteria provided, single submitter (1 of 4 stars). 2 submissions from 2 submitters: Likely benign (1). 1 of the submissions does not count toward it. Last evaluated 2025-11-24.

Conditions:
ARID1A-related disorder. Also called: ARID1A-related condition.

Allele frequency attached by ClinVar (database versions not stated): ExAC 0.00002.
gnomAD v4.1: 12 of 1,614,102 alleles (0.00074%); highest among the groups gnomAD compares: Admixed American, 0.0083%; no homozygotes.

Submissions (2):

Labcorp Genetics (formerly Invitae), Labcorp
Classification: Likely benign. Last evaluated: 2025-11-24. Review status: criteria provided, single submitter. Criteria: Invitae Variant Classification Sherloc (09022015). Collection method: clinical testing. Allele origin: germline.

PreventionGenetics, part of Exact Sciences
Classification: Likely benign for ARID1A-related condition. Last evaluated: 2019-04-09. Review status: no assertion criteria provided. Collection method: clinical testing. Allele origin: germline. Not counted in ClinVar's aggregate classification.
Comment: This variant is classified as likely benign based on ACMG/AMP sequence variant interpretation guidelines (Richards et al. 2015 PMID: 25741868, with internal and published modifications).